The following is an entry in ClinVar:

NM_000268.4(NF2):c.1201A>T (p.Lys401Ter)

Gene: NF2 (NF2, moesin-ezrin-radixin like (MERLIN) tumor suppressor; plus strand). Cytogenetic location: 22q12.2.
Variant type: single nucleotide variant.
Coding change: c.1201A>T on transcript NM_000268.4 (MANE Select); coding-DNA position 1201, A replaced by T.
Protein change: p.Lys401Ter; replaces lysine 401 with a stop codon.
Molecular consequence: nonsense. On other transcripts: intron variant (1).
Genome position (GRCh38, 1-based): chr22:29,673,347, A>T. VCF-style: chr22-29673347-A-T. GRCh37 (hg19) VCF-style: chr22-30069336-A-T.
Other names: c.1087A>T, p.Lys363Ter (NM_001407053.1, NM_001407056.1); c.1078A>T, p.Lys360Ter (NM_001407054.1, NM_001407058.1, NM_181829.3); c.1075A>T, p.Lys359Ter (NM_001407055.1, NM_181828.3); c.1066A>T, p.Lys356Ter (NM_001407057.1, NM_001407059.1); c.1201A>T, p.Lys401Ter (NM_001407060.1, NM_001407066.1, NM_016418.5 and 2 more transcripts); c.943A>T, p.Lys315Ter (NM_001407062.1); c.952A>T, p.Lys318Ter (NM_001407063.1, NM_001407064.1, NM_181830.3 and 1 more transcripts); c.667A>T, p.Lys223Ter (NM_001407065.1); and 2 more; short protein forms K223*, K315*, K318*, K324*, K356*, K359*, K360*, K363*.
Identifiers: ClinVar variation 3383413 (VCV003383413.2).

ClinVar aggregate classification (germline): Likely pathogenic (1 of 4 stars; one submission).

Submission:

Centre of Medical Genetics, University Hospital Muenster
Classification: Likely pathogenic. Last evaluated: 2023-11-22. Review status: criteria provided, single submitter. Criteria: ACMG Guidelines, 2015. Collection method: clinical testing. Allele origin: unknown. Affected: yes. Observed: 1 variant allele, 1 heterozygote.
Comment: ACMG categories: PVS1,PM2